The following is an entry in ClinVar:

ClinVar aggregate classification (germline): Uncertain significance (1 of 4 stars; one submission).

Submission:

GeneDx
Classification: Uncertain significance. Last evaluated: 2026-04-30. Review status: criteria provided, single submitter. Criteria: GeneDx Variant Classification Process June 2021. Collection method: clinical testing. Allele origin: germline.
Comment: Not observed at significant frequency in large population cohorts (gnomAD); Has not been previously published as pathogenic or benign to our knowledge; Nonsense variant predicted to result in protein truncation as the last 63 amino acid(s) are lost

NM_203288.2(RP9):c.475C>T (p.Gln159Ter)

Gene: RP9 (RP9 pre-mRNA splicing factor; minus strand). Cytogenetic location: 7p14.3.
Variant type: single nucleotide variant.
Coding change: c.475C>T on transcript NM_203288.2 (MANE Select); coding-DNA position 475, C replaced by T.
Protein change: p.Gln159Ter; replaces glutamine 159 with a stop codon.
Molecular consequence: nonsense.
Genome position (GRCh38, 1-based): chr7:33,095,425, G>A on the plus strand (C>T on the coding strand, the complement: RP9 is on the minus strand). VCF-style: chr7-33095425-G-A. GRCh37 (hg19) VCF-style: chr7-33135037-G-A.
Other names: short protein forms Q159*.
Identifiers: ClinVar variation 3369252 (VCV003369252.2).
Genomic context (GRCh38, chr7:33,095,425, plus strand): 5'-AGGAACTGGAGCTGCTCCTATCTTCATCTGAGGTAGAATCCTCCAGTAACTGTTTTAACT[G>A]CTGTATCCTAAACATTCAAAATTGATCAAAGAACAGTGAGTTTTAGCTTTAACTTACAAC-3'